The following is an entry in ClinVar:

ClinVar aggregate classification (germline): Uncertain significance (1 of 4 stars; one submission).

Conditions:
Centromeric instability of chromosomes 1,9 and 16 and immunodeficiency (ICF1). Also called: Immunodeficiency-centromeric instability-facial anomalies; IMMUNE DEFICIENCY, VARIABLE, WITH CENTROMERIC INSTABILITY OF CHROMOSOMES 1, 9, AND 16; IMMUNODEFICIENCY SYNDROME, VARIABLE; CENTROMERIC INSTABILITY, IMMUNODEFICIENCY SYNDROME. Identifiers: Orphanet 2268, MedGen C0398788, MONDO:0000133.

Submission:

Labcorp Genetics (formerly Invitae), Labcorp
Classification: Uncertain significance for Centromeric instability of chromosomes 1,9 and 16 and immunodeficiency. Last evaluated: 2021-02-14. Review status: criteria provided, single submitter. Criteria: Invitae Variant Classification Sherloc (09022015). Collection method: clinical testing. Allele origin: germline.
Comment: In summary, the available evidence is currently insufficient to determine the role of this variant in disease. Therefore, it has been classified as a Variant of Uncertain Significance. This variant has not been reported in the literature in individuals with DNMT3B-related conditions. This variant results in a copy number gain of the genomic region encompassing exon(s) 2-3 of the DNMT3B gene. This region includes the initiator codon of the gene. The 5' end of this event is unknown as it extends beyond the assayed region for this gene and therefore may encompass additional genes. The 3' boundary is likely confined to intron 3 of the DNMT3B gene. As the precise location of this event is unknown, it may be in tandem or it may be located elsewhere in the genome.

NC_000020.10:g.(?_31368130)_(31369240_?)dup

Gene: DNMT3B (DNA methyltransferase 3 beta; plus strand). Cytogenetic location: 20q11.21.
Variant type: Duplication.
Identifiers: ClinVar variation 1449941 (VCV001449941.4).